The following is an entry in ClinVar:

NM_001270974.2(HYDIN):c.4431C>T (p.His1477=)

Gene: HYDIN (HYDIN axonemal central pair apparatus protein; minus strand). Cytogenetic location: 16q22.2.
Variant type: single nucleotide variant.
Coding change: c.4431C>T on transcript NM_001270974.2 (MANE Select); coding-DNA position 4431, C replaced by T.
Protein change: p.His1477=; no amino-acid change (histidine 1477 retained).
Molecular consequence: synonymous variant.
Genome position (GRCh38, 1-based): chr16:70,981,470, G>A on the plus strand (C>T on the coding strand, the complement: HYDIN is on the minus strand). VCF-style: chr16-70981470-G-A. GRCh37 (hg19) VCF-style: chr16-71015373-G-A.
Identifiers: ClinVar variation 2646775 (VCV002646775.25), dbSNP rs371608422, ClinGen allele CA8150718.

ClinVar aggregate classification (germline): Likely benign. Review status: criteria provided, multiple submitters, no conflicts (2 of 4 stars). 2 submissions from 2 submitters: Likely benign (2). Last evaluated 2026-05-01.

Allele frequency attached by ClinVar (database versions not stated): 1000 Genomes Project 0.00080; 1000 Genomes Project 30x 0.00094; TOPMed 0.00135; gnomAD 0.00165; ESP Exome Variant Server 0.00172; gnomAD exomes 0.00212; ExAC 0.00216.
gnomAD v4.1: 3,341 of 1,613,964 alleles (0.21%); highest among the groups gnomAD compares: Non-Finnish European, 0.23%; 9 homozygotes.

Submissions (2):

CeGaT Center for Human Genetics Tuebingen
Classification: Likely benign. Last evaluated: 2026-05-01. Review status: criteria provided, single submitter. Criteria: CeGaT Center For Human Genetics Tuebingen Variant Classification Criteria Version 2. Collection method: clinical testing. Allele origin: germline. Affected: yes. Observed: 6 variant alleles.
Comment: HYDIN: BP4, BS2

Blueprint Genetics
Classification: Likely benign. Last evaluated: 2024-11-22. Review status: criteria provided, single submitter. Criteria: ACMG Guidelines, 2015. Collection method: clinical testing. Allele origin: germline.